The following is an entry in ClinVar:

ClinVar aggregate classification (germline): Uncertain significance. Review status: criteria provided, multiple submitters, no conflicts (2 of 4 stars). 2 submissions from 2 submitters: Uncertain significance (2). Last evaluated 2020-04-01.

Conditions:
Nemaline myopathy 7 (NEM7). Also called: Nemaline myopathy 7, autosomal recessive. Identifiers: Orphanet 171436, MedGen C1853154, MONDO:0012538, OMIM 610687.

Allele frequency attached by ClinVar (database versions not stated): gnomAD exomes below 0.00001; TOPMed 0.00001.
gnomAD v4.1: 2 of 1,610,434 alleles (0.00012%); highest among the groups gnomAD compares: Non-Finnish European, 0.00017%; no homozygotes.

Submissions (2):

Labcorp Genetics (formerly Invitae), Labcorp
Classification: Uncertain significance for Nemaline myopathy 7. Last evaluated: 2020-04-01. Review status: criteria provided, single submitter. Criteria: Invitae Variant Classification Sherloc (09022015). Collection method: clinical testing. Allele origin: germline.
Comment: In summary, the available evidence is currently insufficient to determine the role of this variant in disease. Therefore, it has been classified as a Variant of Uncertain Significance. Algorithms developed to predict the effect of missense changes on protein structure and function (SIFT, PolyPhen-2, Align-GVGD) all suggest that this variant is likely to be disruptive, but these predictions have not been confirmed by published functional studies and their clinical significance is uncertain. This variant has not been reported in the literature in individuals with CFL2-related disease. ClinVar contains an entry for this variant (Variation ID: 128713). This variant is not present in population databases (ExAC no frequency). This sequence change replaces leucine with valine at codon 153 of the CFL2 protein (p.Leu153Val). The leucine residue is highly conserved and there is a small physicochemical difference between leucine and valine.

Genetic Services Laboratory, University of Chicago
Classification: Uncertain significance. Last evaluated: 2013-10-08. Review status: criteria provided, single submitter. Criteria: ACMG Guidelines, 2007. Collection method: clinical testing. Allele origin: germline. Inheritance: Autosomal recessive inheritance.

NM_138638.5(CFL2):c.457T>G (p.Leu153Val)

Gene: CFL2 (cofilin 2; minus strand). Cytogenetic location: 14q13.1.
Variant type: single nucleotide variant.
Coding change: c.457T>G on transcript NM_138638.5 (MANE Select); coding-DNA position 457, T replaced by G.
Protein change: p.Leu153Val; replaces leucine 153 with valine.
Molecular consequence: missense variant. On other transcripts: non-coding transcript variant (2).
Genome position (GRCh38, 1-based): chr14:34,712,909, A>C on the plus strand (T>G on the coding strand, the complement: CFL2 is on the minus strand). VCF-style: chr14-34712909-A-C. GRCh37 (hg19) VCF-style: chr14-35182115-A-C.
Other names: c.406T>G, p.Leu136Val (NM_001243645.2); c.457T>G, p.Leu153Val (NM_021914.8); short protein forms L153V, L136V.
Identifiers: ClinVar variation 128713 (VCV000128713.13), dbSNP rs587780312, ClinGen allele CA231017.